The following is an entry in ClinVar:

ClinVar aggregate classification (germline): Pathogenic/Likely pathogenic. Review status: criteria provided, multiple submitters, no conflicts (2 of 4 stars). 2 submissions from 2 submitters: Pathogenic (1); Likely pathogenic (1). Last evaluated 2021-06-13.

Submissions (2):

Labcorp Genetics (formerly Invitae), Labcorp
Classification: Pathogenic. Last evaluated: 2021-06-13. Review status: criteria provided, single submitter. Criteria: Invitae Variant Classification Sherloc (09022015). Collection method: clinical testing. Allele origin: germline.
Comment: This variant has been observed in individual(s) with Alport syndrome (Invitae). ClinVar contains an entry for this variant (Variation ID: 372992). This variant disrupts the p.Gly1164 amino acid residue in COL4A5. Other variant(s) that disrupt this residue have been observed in individuals with COL4A5-related conditions (PMID: 24304881, 29270492), which suggests that this may be a clinically significant amino acid residue. For these reasons, this variant has been classified as Pathogenic. This variant disrupts the triple helix domain of COL4A5. Glycine residues within the Gly-Xaa-Yaa repeats of the triple helix domain are required for the structure and stability of fibrillar collagens (PMID: 7695699, 8218237, 19344236). In COL4A5, missense variants at these glycine residues are significantly enriched in individuals with disease (PMID: 23720012, 27627812) compared to the general population (ExAC). Advanced modeling of protein sequence and biophysical properties (such as structural, functional, and spatial information, amino acid conservation, physicochemical variation, residue mobility, and thermodynamic stability) performed at Invitae indicates that this missense variant is expected to disrupt COL4A5 protein function. This variant is not present in population databases (ExAC no frequency). This sequence change replaces glycine with cysteine at codon 1164 of the COL4A5 protein (p.Gly1164Cys). The glycine residue is highly conserved and there is a large physicochemical difference between glycine and cysteine.

GeneDx
Classification: Likely pathogenic. Last evaluated: 2016-07-01. Review status: criteria provided, single submitter. Criteria: GeneDx Variant Classification (06012015). Collection method: clinical testing. Allele origin: germline. Affected: yes.
Comment: The G1164C variant has not been published as a pathogenic variant, nor has it been reported as a benign variant to our knowledge. The variant was not observed in approximately 6,500 individuals of European and African American ancestry in the NHLBI Exome Sequencing Project, indicating it is not a common benign variant in these populations. G1164C is a non-conservative amino acid substitution, which is likely to impact secondary protein structure as these residues differ in polarity, charge, size and/or other properties. This substitution occurs at a position within a Gly-X-Y repeat in the triple helical domain that is conserved across species, and in silico analysis predicts this variant is probably damaging to the protein structure/function. Missense variants in the same residue (G1164D) and in nearby residues (G1161R/E, G1167S) have been reported in the Human Gene Mutation Database in association with Alport syndrome (Stenson et al., 2014), supporting the functional importance of this region of the protein. Therefore, this variant is likely pathogenic; however, the possibility that it is benign cannot be excluded.

Literature cited by the submitters: PubMed 24304881 (cited by Labcorp Genetics (formerly Invitae), Labcorp); PubMed 29270492 (cited by Labcorp Genetics (formerly Invitae), Labcorp); PubMed 7695699 (cited by Labcorp Genetics (formerly Invitae), Labcorp); PubMed 8218237 (cited by Labcorp Genetics (formerly Invitae), Labcorp); PubMed 19344236 (cited by Labcorp Genetics (formerly Invitae), Labcorp); PubMed 23720012 (cited by Labcorp Genetics (formerly Invitae), Labcorp); PubMed 27627812 (cited by Labcorp Genetics (formerly Invitae), Labcorp).

NM_033380.3(COL4A5):c.3490G>T (p.Gly1164Cys)

Gene: COL4A5 (collagen type IV alpha 5 chain; plus strand). Cytogenetic location: Xq22.3.
Variant type: single nucleotide variant.
Coding change: c.3490G>T on transcript NM_033380.3 (MANE Select); coding-DNA position 3490, G replaced by T.
Protein change: p.Gly1164Cys; replaces glycine 1164 with cysteine.
Molecular consequence: missense variant.
Genome position (GRCh38, 1-based): chrX:108,666,531, G>T. VCF-style: chrX-108666531-G-T. GRCh37 (hg19) VCF-style: chrX-107909761-G-T.
Other names: c.3490G>T, p.Gly1164Cys (NM_000495.5); short protein forms G1164C.
Identifiers: ClinVar variation 372992 (VCV000372992.9), dbSNP rs1057518125, ClinGen allele CA16043193.